The following is an entry in ClinVar:

ClinVar aggregate classification (germline): Benign (0 of 4 stars; one submission).

Conditions:
DNAH2-related disorder. Also called: DNAH2-related condition.

Allele frequency attached by ClinVar (database versions not stated): ESP Exome Variant Server 0.00500; TOPMed 0.00694; gnomAD 0.01298; gnomAD exomes 0.01555; ExAC 0.03076; 1000 Genomes Project 30x 0.04076; 1000 Genomes Project 0.04413.
gnomAD v4.1: 24,729 of 1,614,224 alleles (1.5%); highest among the groups gnomAD compares: South Asian, 15%; 1,340 homozygotes.

Submission:

PreventionGenetics, part of Exact Sciences
Classification: Benign for DNAH2-related condition. Last evaluated: 2019-02-22. Review status: no assertion criteria provided. Collection method: clinical testing. Allele origin: germline.
Comment: This variant is classified as benign based on ACMG/AMP sequence variant interpretation guidelines (Richards et al. 2015 PMID: 25741868, with internal and published modifications).

NM_020877.5(DNAH2):c.10932C>T (p.Leu3644=)

Gene: DNAH2 (dynein axonemal heavy chain 2; plus strand). Cytogenetic location: 17p13.1.
Variant type: single nucleotide variant.
Coding change: c.10932C>T on transcript NM_020877.5 (MANE Select); coding-DNA position 10932, C replaced by T.
Protein change: p.Leu3644=; no amino-acid change (leucine 3644 retained).
Molecular consequence: synonymous variant.
Genome position (GRCh38, 1-based): chr17:7,819,325, C>T. VCF-style: chr17-7819325-C-T. GRCh37 (hg19) VCF-style: chr17-7722643-C-T.
Identifiers: ClinVar variation 3037460 (VCV003037460.2), dbSNP rs75106566, ClinGen allele CA8359304.
Genomic context (GRCh38, chr17:7,819,325, plus strand): 5'-GGGCTGCATCGACCCCATGTACCAGTTCTCACTGGATGCCTACATCAGCCTCTTTATTCT[C>T]AGCATTGACAAAAGCCACCGCAGCAATAAGCTGGAGGACCGCATTGACTACCTGAATGAC-3'
Protein context (NP_065928.2, residues 3634-3654): SLDAYISLFI[Leu3644=]SIDKSHRSNK